The following is an entry in ClinVar:

ClinVar aggregate classification (germline): Likely benign. Review status: criteria provided, multiple submitters, no conflicts (2 of 4 stars). 2 submissions from 2 submitters: Likely benign (2). Last evaluated 2026-04-01.

Submissions (2):

CeGaT Center for Human Genetics Tuebingen
Classification: Likely benign. Last evaluated: 2026-04-01. Review status: criteria provided, single submitter. Criteria: CeGaT Center For Human Genetics Tuebingen Variant Classification Criteria Version 2. Collection method: clinical testing. Allele origin: germline. Affected: yes. Observed: 1 variant allele.
Comment: ADGRV1: PM2:Supporting, BP4, BP7

Labcorp Genetics (formerly Invitae), Labcorp
Classification: Likely benign. Last evaluated: 2022-10-13. Review status: criteria provided, single submitter. Criteria: Invitae Variant Classification Sherloc (09022015). Collection method: clinical testing. Allele origin: germline.

NM_032119.4(ADGRV1):c.15102C>T (p.His5034=)

Gene: ADGRV1 (adhesion G protein-coupled receptor V1; plus strand). Cytogenetic location: 5q14.3.
Variant type: single nucleotide variant.
Coding change: c.15102C>T on transcript NM_032119.4 (MANE Select); coding-DNA position 15102, C replaced by T.
Protein change: p.His5034=; no amino-acid change (histidine 5034 retained).
Molecular consequence: synonymous variant. On other transcripts: non-coding transcript variant (1).
Genome position (GRCh38, 1-based): chr5:90,810,362, C>T. VCF-style: chr5-90810362-C-T. GRCh37 (hg19) VCF-style: chr5-90106179-C-T.
Identifiers: ClinVar variation 1552185 (VCV001552185.10), dbSNP rs1561780387, ClinGen allele CA445467778.